The following is an entry in ClinVar:

NM_001040108.2(MLH3):c.3365G>C (p.Arg1122Thr)

Gene: MLH3 (mutL homolog 3; minus strand). Cytogenetic location: 14q24.3.
Variant type: single nucleotide variant.
Coding change: c.3365G>C on transcript NM_001040108.2 (MANE Select); coding-DNA position 3365, G replaced by C.
Protein change: p.Arg1122Thr; replaces arginine 1122 with threonine.
Molecular consequence: missense variant.
Genome position (GRCh38, 1-based): chr14:75,042,393, C>G on the plus strand (G>C on the coding strand, the complement: MLH3 is on the minus strand). VCF-style: chr14-75042393-C-G. GRCh37 (hg19) VCF-style: chr14-75509096-C-G.
Other names: c.3365G>C, p.Arg1122Thr (NM_014381.3); short protein forms R1122T.
Identifiers: ClinVar variation 3873501 (VCV003873501.1).

ClinVar aggregate classification (germline): Uncertain significance (1 of 4 stars; one submission).

Submission:

Ambry Genetics
Classification: Uncertain significance. Last evaluated: 2025-01-19. Review status: criteria provided, single submitter. Criteria: Ambry Variant Classification Scheme 2023. Collection method: clinical testing. Allele origin: germline.
Comment: The p.R1122T variant (also known as c.3365G>C), located in coding exon 2 of the MLH3 gene, results from a G to C substitution at nucleotide position 3365. The arginine at codon 1122 is replaced by threonine, an amino acid with similar properties. This amino acid position is conserved. In addition, this alteration is predicted to be tolerated by in silico analysis. Based on the available evidence, the clinical significance of this variant remains unclear.